The following is an entry in ClinVar:

NM_000053.4(ATP7B):c.3749C>T (p.Ala1250Val)

Gene: ATP7B (ATPase copper transporting beta; minus strand). Cytogenetic location: 13q14.3.
Variant type: single nucleotide variant.
Coding change: c.3749C>T on transcript NM_000053.4 (MANE Select); coding-DNA position 3749, C replaced by T.
Protein change: p.Ala1250Val; replaces alanine 1250 with valine.
Molecular consequence: missense variant. On other transcripts: intron variant (1).
Genome position (GRCh38, 1-based): chr13:51,937,630, G>A on the plus strand (C>T on the coding strand, the complement: ATP7B is on the minus strand). VCF-style: chr13-51937630-G-A. GRCh37 (hg19) VCF-style: chr13-52511766-G-A.
Other names: c.3716C>T, p.Ala1239Val (NM_001406514.1); c.3695C>T, p.Ala1232Val (NM_001406515.1, NM_001406516.1); c.3653C>T, p.Ala1218Val (NM_001406517.1, NM_001406518.1); c.3614C>T, p.Ala1205Val (NM_001406519.1); c.3605C>T, p.Ala1202Val (NM_001406520.1, NM_001406521.1, NM_001406522.1); c.3566C>T, p.Ala1189Val (NM_001406523.1); c.3128C>T, p.Ala1043Val (NM_001005918.3); c.3416C>T, p.Ala1139Val (NM_001243182.2); and 21 more; short protein forms A1043V, A1107V, A1139V, A1166V, A1202V, A1239V, A1248V, A1250V.
Identifiers: ClinVar variation 5032373 (VCV005032373.1).

ClinVar aggregate classification (germline): Uncertain significance (1 of 4 stars; one submission).

Conditions:
Inborn genetic diseases. Identifiers: MedGen C0950123, MeSH D030342.

Submission:

Ambry Genetics
Classification: Uncertain significance for Inborn genetic diseases. Last evaluated: 2026-07-01. Review status: criteria provided, single submitter. Criteria: Ambry Variant Classification Scheme 2023. Collection method: clinical testing. Allele origin: germline.
Comment: The p.A1250V variant (also known as c.3749C>T), located in coding exon 18 of the ATP7B gene, results from a C to T substitution at nucleotide position 3749. The alanine at codon 1250 is replaced by valine, an amino acid with similar properties. This amino acid position is conserved. In addition, this alteration is predicted to be deleterious by in silico analysis. Based on the available evidence, the clinical significance of this variant remains unclear.